The following is an entry in ClinVar:

ClinVar aggregate classification (germline): Uncertain significance. Review status: criteria provided, multiple submitters, no conflicts (2 of 4 stars). 2 submissions from 2 submitters: Uncertain significance (2). Last evaluated 2025-08-31.

Conditions:
Mitochondrial complex II deficiency, nuclear type 1. Also called: SUCCINATE CoQ REDUCTASE DEFICIENCY. Identifiers: Orphanet 3208, MedGen C5700310, MONDO:0100294, OMIM 252011.
Pheochromocytoma/paraganglioma syndrome 5. Also called: Paragangliomas 5; SDHA-Related Hereditary Paraganglioma-Pheochromocytoma Syndrome. Identifiers: Orphanet 29072, MedGen C3279992, MONDO:0013602, OMIM 614165.
Hereditary cancer-predisposing syndrome. Also called: Neoplastic Syndromes, Hereditary; Hereditary Cancer Syndrome; Hereditary neoplastic syndrome; Tumor predisposition. Identifiers: Orphanet 140162, MedGen C0027672, MeSH D009386, MONDO:0015356.

Submissions (2):

Labcorp Genetics (formerly Invitae), Labcorp
Classification: Uncertain significance for Pheochromocytoma/paraganglioma syndrome 5; Mitochondrial complex II deficiency, nuclear type 1. Last evaluated: 2025-08-31. Review status: criteria provided, single submitter. Criteria: Invitae Variant Classification Sherloc (09022015). Collection method: clinical testing. Allele origin: germline.
Comment: This variant, c.348_350del, results in the deletion of 1 amino acid(s) of the SDHA protein (p.Glu116del), but otherwise preserves the integrity of the reading frame. This variant is not present in population databases (gnomAD no frequency). This variant has not been reported in the literature in individuals affected with SDHA-related conditions. Experimental studies and prediction algorithms are not available or were not evaluated, and the functional significance of this variant is currently unknown. In summary, the available evidence is currently insufficient to determine the role of this variant in disease. Therefore, it has been classified as a Variant of Uncertain Significance.

Ambry Genetics
Classification: Uncertain significance for Hereditary cancer-predisposing syndrome. Last evaluated: 2025-08-20. Review status: criteria provided, single submitter. Criteria: Ambry Variant Classification Scheme 2023. Collection method: clinical testing. Allele origin: germline.
Comment: The c.348_350delGGA variant (also known as p.E116del) is located in coding exon 4 of the SDHA gene. This variant results from an in-frame GGA deletion at nucleotide positions 348 to 350. This results in the in-frame deletion of a glutamic acid at codon 116. This amino acid position is not well conserved in available vertebrate species. In addition, this variant is predicted to be deleterious by in silico analysis (Choi Y et al. PLoS ONE. 2012; 7(10):e46688). Based on the available evidence, the clinical significance of this variant remains unclear.

NM_004168.4(SDHA):c.342GGA[2] (p.Glu116del)

Gene: SDHA (succinate dehydrogenase complex flavoprotein subunit A; plus strand). Cytogenetic location: 5p15.33.
Variant type: Microsatellite.
Coding change: c.342GGA[2] on transcript NM_004168.4 (MANE Select); two copies in a row of the 3-base unit GGA starting at c.342; the reference has three copies in a row; one copy, 3 bases deleted.
Protein change: p.Glu116del; deletes glutamic acid 116.
Molecular consequence: inframe deletion. On other transcripts: intron variant (1).
Genome position (GRCh38, 1-based): chr5:225,454-225,456, GGA deleted; deleting any 3 consecutive bases within chr5:225,448-225,456 gives the same sequence; the position shown is the placement nearest the transcript's 3' end. VCF-style (leftmost placement, unchanged base first): chr5-225447-TGGA-T. GRCh37 (hg19) VCF-style: chr5-225562-TGGA-T.
Other names: c.348_350delGGA (NM_004168.2); c.342GGA[2], p.Glu116del (NM_001330758.2); c.313-435GGA[2] (NM_001294332.2); short protein forms E116del.
Identifiers: ClinVar variation 1450140 (VCV001450140.9), dbSNP rs1734955897, ClinGen allele CA1521983341.
Genomic context (GRCh38, chr5:225,447, plus strand): 5'-TGTGGCTTGTAAGGAGTGGTTGGTGTTTCCAGGGAGGAATCAATGCTGCTCTGGGGAACA[TGGA>T]GGAGGACAACTGGAGGTGGCATTTCTACGACACCGTGAAGGGCTCCGACTGGCTGGGGGA-3'